The following is an entry in ClinVar:

ClinVar aggregate classification (germline): Uncertain significance. Review status: criteria provided, multiple submitters, no conflicts (2 of 4 stars). 4 submissions from 4 submitters: Uncertain significance (4). Last evaluated 2025-08-26.

Conditions:
Dilated cardiomyopathy 1AA (CMD1AA). Also called: CARDIOMYOPATHY, DILATED, 1AA, WITH OR WITHOUT LEFT VENTRICULAR NONCOMPACTION; Cardiomyopathy, dilated, 1AA, with or without LVNC; CARDIOMYOPATHY, FAMILIAL HYPERTROPHIC, 23, WITH OR WITHOUT LEFT VENTRICULAR NONCOMPACTION. Identifiers: Orphanet 154, MedGen C2677338, MONDO:0012808, OMIM 612158.
Myopathy, congenital, with structured cores and z-line abnormalities. Also called: CONGENITAL MYOPATHY 8; MULTIPLE STRUCTURED CORE DISEASE. Identifiers: MedGen C5231445, MONDO:0032852, OMIM 618654.
Myopathy, distal, 6, adult-onset, autosomal dominant. Identifiers: MedGen C5203349, MONDO:0032853, OMIM 618655.
Cardiovascular phenotype. Identifiers: MedGen CN230736.
Primary familial hypertrophic cardiomyopathy (HCM). Identifiers: Orphanet 99739, MedGen C0949658, MeSH D024741, MONDO:0024573. Inheritance: Various modes of inheritance.
Cardiomyopathy (CMYO). Also called: Cardiomyopathies. Identifiers: Orphanet 167848, MedGen C0878544, MONDO:0004994, HP:0001638. Inheritance: Various modes of inheritance.

Allele frequency attached by ClinVar (database versions not stated): gnomAD exomes below 0.00001.

Submissions (4):

Labcorp Genetics (formerly Invitae), Labcorp
Classification: Uncertain significance for Primary familial hypertrophic cardiomyopathy; Dilated cardiomyopathy 1AA. Last evaluated: 2025-08-26. Review status: criteria provided, single submitter. Criteria: Invitae Variant Classification Sherloc (09022015). Collection method: clinical testing. Allele origin: germline.
Comment: This sequence change replaces glutamic acid, which is acidic and polar, with lysine, which is basic and polar, at codon 310 of the ACTN2 protein (p.Glu310Lys). This variant is not present in population databases (gnomAD no frequency). This variant has not been reported in the literature in individuals affected with ACTN2-related conditions. ClinVar contains an entry for this variant (Variation ID: 915523). Invitae Evidence Modeling of protein sequence and biophysical properties (such as structural, functional, and spatial information, amino acid conservation, physicochemical variation, residue mobility, and thermodynamic stability) indicates that this missense variant is not expected to disrupt ACTN2 protein function with a negative predictive value of 80%. In summary, the available evidence is currently insufficient to determine the role of this variant in disease. Therefore, it has been classified as a Variant of Uncertain Significance.

Ambry Genetics
Classification: Uncertain significance for Cardiovascular phenotype. Last evaluated: 2025-06-09. Review status: criteria provided, single submitter. Criteria: Ambry Variant Classification Scheme 2023. Collection method: clinical testing. Allele origin: germline.
Comment: The p.E310K variant (also known as c.928G>A), located in coding exon 10 of the ACTN2 gene, results from a G to A substitution at nucleotide position 928. The glutamic acid at codon 310 is replaced by lysine, an amino acid with similar properties. This amino acid position is conserved. In addition, the in silico prediction for this alteration is inconclusive. Based on the available evidence, the clinical significance of this variant remains unclear.

Fulgent Genetics
Classification: Uncertain significance for Dilated cardiomyopathy 1AA; Myopathy, congenital, with structured cores and z-line abnormalities; Myopathy, distal, 6, adult-onset, autosomal dominant. Last evaluated: 2021-11-22. Review status: criteria provided, single submitter. Criteria: ACMG Guidelines, 2015. Collection method: clinical testing. Allele origin: unknown.

CHEO Genetics Diagnostic Laboratory, Children's Hospital of Eastern Ontario
Classification: Uncertain significance for Cardiomyopathy. Last evaluated: 2018-03-28. Review status: criteria provided, single submitter. Criteria: ACMG Guidelines, 2015. Collection method: clinical testing. Allele origin: germline.

NM_001103.4(ACTN2):c.928G>A (p.Glu310Lys)

Gene: ACTN2 (actinin alpha 2; plus strand). Cytogenetic location: 1q43.
Variant type: single nucleotide variant.
Coding change: c.928G>A on transcript NM_001103.4 (MANE Select); coding-DNA position 928, G replaced by A.
Protein change: p.Glu310Lys; replaces glutamic acid 310 with lysine.
Molecular consequence: missense variant.
Genome position (GRCh38, 1-based): chr1:236,739,353, G>A. VCF-style: chr1-236739353-G-A. GRCh37 (hg19) VCF-style: chr1-236902653-G-A.
Other names: c.928G>A, p.Glu310Lys (NM_001278343.2); c.304G>A, p.Glu102Lys (NM_001278344.2); short protein forms E310K, E102K.
Identifiers: ClinVar variation 915523 (VCV000915523.7), dbSNP rs1572132678, ClinGen allele CA345380091.